The following is an entry in ClinVar:

NM_018109.4(MTPAP):c.1049T>C (p.Val350Ala)

Gene: MTPAP (mitochondrial poly(A) polymerase; minus strand). Cytogenetic location: 10p11.23.
Variant type: single nucleotide variant.
Coding change: c.1049T>C on transcript NM_018109.4 (MANE Select); coding-DNA position 1049, T replaced by C.
Protein change: p.Val350Ala; replaces valine 350 with alanine.
Molecular consequence: missense variant.
Genome position (GRCh38, 1-based): chr10:30,322,561, A>G on the plus strand (T>C on the coding strand, the complement: MTPAP is on the minus strand). VCF-style: chr10-30322561-A-G. GRCh37 (hg19) VCF-style: chr10-30611490-A-G.
Other names: short protein forms V350A.
Identifiers: ClinVar variation 1397033 (VCV001397033.6), dbSNP rs779139185, ClinGen allele CA5459038.
Genomic context (GRCh38, chr10:30,322,561, plus strand): 5'-ATACTACTTGTTAGTGAATGTGCTCGAGCCCAGCACCGTACACTGAACACCAAGGCTCTC[A>G]CTCTTGAGTCTAGGGCACCATATATATAAAGGAGTTCGGAACTTGTCAAGGCAATCCTTC-3'
Protein context (NP_060579.3, residues 340-360): LYIYGALDSR[Val350Ala]RALVFSVRCW

ClinVar aggregate classification (germline): Uncertain significance (1 of 4 stars; one submission).

Allele frequency attached by ClinVar (database versions not stated): gnomAD exomes below 0.00001; ExAC 0.00001; gnomAD 0.00001; TOPMed 0.00001.
gnomAD v4.1: 5 of 1,613,902 alleles (0.00031%); highest among the groups gnomAD compares: East Asian, 0.0089%; no homozygotes.

Submission:

Labcorp Genetics (formerly Invitae), Labcorp
Classification: Uncertain significance. Last evaluated: 2021-12-15. Review status: criteria provided, single submitter. Criteria: Invitae Variant Classification Sherloc (09022015). Collection method: clinical testing. Allele origin: germline.
Comment: This variant has not been reported in the literature in individuals affected with MTPAP-related conditions. Algorithms developed to predict the effect of missense changes on protein structure and function are either unavailable or do not agree on the potential impact of this missense change (SIFT: "Deleterious"; PolyPhen-2: "Probably Damaging"; Align-GVGD: "Class C0"). In summary, the available evidence is currently insufficient to determine the role of this variant in disease. Therefore, it has been classified as a Variant of Uncertain Significance. This sequence change replaces valine, which is neutral and non-polar, with alanine, which is neutral and non-polar, at codon 350 of the MTPAP protein (p.Val350Ala). This variant is present in population databases (rs779139185, gnomAD 0.006%).